The following is an entry in ClinVar:

NM_014112.5(TRPS1):c.1176_1179del (p.Asn393fs)

Gene: TRPS1 (transcriptional repressor GATA binding 1; minus strand). Cytogenetic location: 8q23.3.
Variant type: Deletion.
Coding change: c.1176_1179del on transcript NM_014112.5 (MANE Select); coding-DNA positions 1176 to 1179, 4 bases deleted (TAAC; older notation c.1176_1179delTAAC).
Protein change: p.Asn393fs; shifts the reading frame from asparagine 393.
Molecular consequence: frameshift variant.
Genome position (GRCh38, 1-based): chr8:115,604,790-115,604,793, GTTA deleted on the plus strand (TAAC on the coding strand, the reverse complement: TRPS1 is on the minus strand); deleting any 4 consecutive bases within chr8:115,604,790-115,604,794 gives the same sequence; the c. name uses the placement nearest the transcript's 3' end. VCF-style (leftmost placement, unchanged base first): chr8-115604789-TGTTA-T. GRCh37 (hg19) VCF-style: chr8-116617016-TGTTA-T.
Other names: c.1149_1152del, p.Asn384fs (NM_001282902.3); c.1155_1158del, p.Asn386fs (NM_001282903.3); c.1137_1140del, p.Asn380fs (NM_001330599.2); short protein forms N386fs, N393fs, N380fs, N384fs.
Identifiers: ClinVar variation 839906 (VCV000839906.8), dbSNP rs1817997640, ClinGen allele CA916083009.
Genomic context (GRCh38, chr8:115,604,789, plus strand): 5'-TCTTGTCCTGCCATTTTCCCAAGTCTCCAGAATCACTGGATTGAAGTGCAGGGATGGACT[TGTTA>T]GAGTTTTTCTCTGAAGGTTTTGCAACCTCAGAGGAGGGGAGAGAAGCTTTTATTTTGTTT-3'

ClinVar aggregate classification (germline): Pathogenic (1 of 4 stars; one submission).

Conditions:
Trichorhinophalangeal dysplasia type I (TRPS1). Also called: TRPS I; TRICHORHINOPHALANGEAL SYNDROME, TYPE I. Identifiers: Orphanet 77258, MedGen C0432233, MONDO:0008596, OMIM 190350.
Trichorhinophalangeal syndrome, type III (TRPS3). Also called: SUGIO-KAJII SYNDROME. Identifiers: Orphanet 77258, MedGen C1860823, OMIM 190351, MONDO:0008597.

Submission:

Labcorp Genetics (formerly Invitae), Labcorp
Classification: Pathogenic for Trichorhinophalangeal syndrome, type III; Trichorhinophalangeal dysplasia type I. Last evaluated: 2019-12-27. Review status: criteria provided, single submitter. Criteria: Invitae Variant Classification Sherloc (09022015). Collection method: clinical testing. Allele origin: germline.
Comment: Loss-of-function variants in TRPS1 are known to be pathogenic (PMID: 11112658). For these reasons, this variant has been classified as Pathogenic. This variant has not been reported in the literature in individuals with TRPS1-related conditions. This variant is not present in population databases (ExAC no frequency). This sequence change creates a premature translational stop signal (p.Asn393Serfs*21) in the TRPS1 gene. It is expected to result in an absent or disrupted protein product.

Literature cited by the submitters: PubMed 11112658.